The following is an entry in ClinVar:

ClinVar aggregate classification (germline): Uncertain significance (1 of 4 stars; one submission).

Allele frequency attached by ClinVar (database versions not stated): ExAC 0.00001.
gnomAD v4.1: 3 of 1,614,004 alleles (0.00019%); highest among the groups gnomAD compares: Middle Eastern, 0.049%; no homozygotes.

Submission:

Ambry Genetics
Classification: Uncertain significance. Last evaluated: 2021-08-02. Review status: criteria provided, single submitter. Criteria: Ambry Variant Classification Scheme 2023. Collection method: clinical testing. Allele origin: germline.
Comment: The p.S597R variant (also known as c.1789A>C), located in coding exon 11 of the POLQ gene, results from an A to C substitution at nucleotide position 1789. The serine at codon 597 is replaced by arginine, an amino acid with dissimilar properties. This amino acid position is conserved. In addition, this alteration is predicted to be tolerated by in silico analysis. Since supporting evidence is limited at this time, the clinical significance of this alteration remains unclear.

NM_199420.4(POLQ):c.1789A>C (p.Ser597Arg)

Gene: POLQ (DNA polymerase theta; minus strand). Cytogenetic location: 3q13.33.
Variant type: single nucleotide variant.
Coding change: c.1789A>C on transcript NM_199420.4 (MANE Select); coding-DNA position 1789, A replaced by C.
Protein change: p.Ser597Arg; replaces serine 597 with arginine.
Molecular consequence: missense variant.
Genome position (GRCh38, 1-based): chr3:121,510,066, T>G on the plus strand (A>C on the coding strand, the complement: POLQ is on the minus strand). VCF-style: chr3-121510066-T-G. GRCh37 (hg19) VCF-style: chr3-121228913-T-G.
Other names: short protein forms S597R.
Identifiers: ClinVar variation 1780140 (VCV001780140.2), dbSNP rs747103097, ClinGen allele CA2563455.